The following is an entry in ClinVar:

NM_175876.5(EXOC8):c.443G>A (p.Arg148His)

Gene: EXOC8 (exocyst complex component 8; minus strand). Cytogenetic location: 1q42.2.
Variant type: single nucleotide variant.
Coding change: c.443G>A on transcript NM_175876.5 (MANE Select); coding-DNA position 443, G replaced by A.
Protein change: p.Arg148His; replaces arginine 148 with histidine.
Molecular consequence: missense variant.
Genome position (GRCh38, 1-based): chr1:231,337,303, C>T on the plus strand (G>A on the coding strand, the complement: EXOC8 is on the minus strand). VCF-style: chr1-231337303-C-T. GRCh37 (hg19) VCF-style: chr1-231473049-C-T.
Other names: c.443G>A (NM_175876.3); short protein forms R148H.
Identifiers: ClinVar variation 2193970 (VCV002193970.4), dbSNP rs368706952, ClinGen allele CA1452483.

ClinVar aggregate classification (germline): Uncertain significance. Review status: criteria provided, multiple submitters, no conflicts (2 of 4 stars). 2 submissions from 2 submitters: Uncertain significance (2). Last evaluated 2025-03-31.

gnomAD v4.1: 39 of 1,603,728 alleles (0.0024%); highest among the groups gnomAD compares: Admixed American, 0.0033%; no homozygotes.

Submissions (2):

Ambry Genetics
Classification: Uncertain significance. Last evaluated: 2025-03-31. Review status: criteria provided, single submitter. Criteria: Ambry Variant Classification Scheme 2023. Collection method: clinical testing. Allele origin: germline.

Labcorp Genetics (formerly Invitae), Labcorp
Classification: Uncertain significance. Last evaluated: 2023-10-03. Review status: criteria provided, single submitter. Criteria: Invitae Variant Classification Sherloc (09022015). Collection method: clinical testing. Allele origin: germline.
Comment: This sequence change replaces arginine, which is basic and polar, with histidine, which is basic and polar, at codon 148 of the EXOC8 protein (p.Arg148His). This variant is present in population databases (rs368706952, gnomAD 0.01%). This variant has not been reported in the literature in individuals affected with EXOC8-related conditions. ClinVar contains an entry for this variant (Variation ID: 2193970). An algorithm developed to predict the effect of missense changes on protein structure and function (PolyPhen-2) suggests that this variant¬†is likely to be tolerated. In summary, the available evidence is currently insufficient to determine the role of this variant in disease. Therefore, it has been classified as a Variant of Uncertain Significance.